The following is an entry in ClinVar:

ClinVar aggregate classification (germline): Uncertain significance. Review status: criteria provided, multiple submitters, no conflicts (2 of 4 stars). 2 submissions from 2 submitters: Uncertain significance (2). Last evaluated 2025-04-25.

Conditions:
Familial thoracic aortic aneurysm and aortic dissection (TAAD). Also called: Thoracic aortic aneurysms and dissections. Identifiers: Orphanet 91387, MedGen C4707243, MONDO:0019625.
Marfan syndrome (MFS). Also called: MARFAN SYNDROME, TYPE I; Marfan syndrome type 1; Marfan's syndrome; Marfan syndrome, classic; FBN1-Related Marfan Syndrome. Identifiers: Orphanet 284963, Orphanet 558, MedGen C0024796, MONDO:0007947, OMIM 154700.

gnomAD v4.1: 6 of 1,613,984 alleles (0.00037%); highest among the groups gnomAD compares: African/African-American, 0.0013%; no homozygotes.

Submissions (2):

Color Diagnostics, LLC DBA Color Health
Classification: Uncertain significance for Familial thoracic aortic aneurysm and aortic dissection. Last evaluated: 2025-04-25. Review status: criteria provided, single submitter. Criteria: ACMG Guidelines, 2015. Collection method: clinical testing. Allele origin: germline.
Comment: This missense variant replaces asparagine with serine at codon 1324 of the FBN1 protein. Computational prediction suggests that this variant may have a deleterious impact on protein structure and function. To our knowledge, functional studies have not been reported for this variant. This variant has not been reported in individuals affected with FBN1-related disorders in the literature. This variant has been identified in 1/251094 chromosomes in the general population by the Genome Aggregation Database (gnomAD). The available evidence is insufficient to determine the role of this variant in disease conclusively. Therefore, this variant is classified as a Variant of Uncertain Significance.

Labcorp Genetics (formerly Invitae), Labcorp
Classification: Uncertain significance for Marfan syndrome; Familial thoracic aortic aneurysm and aortic dissection. Last evaluated: 2024-08-06. Review status: criteria provided, single submitter. Criteria: Invitae Variant Classification Sherloc (09022015). Collection method: clinical testing. Allele origin: germline.
Comment: This sequence change replaces asparagine, which is neutral and polar, with serine, which is neutral and polar, at codon 1324 of the FBN1 protein (p.Asn1324Ser). The frequency data for this variant in the population databases is considered unreliable, as metrics indicate poor data quality at this position in the gnomAD database. This variant has not been reported in the literature in individuals affected with FBN1-related conditions. Advanced modeling of protein sequence and biophysical properties (such as structural, functional, and spatial information, amino acid conservation, physicochemical variation, residue mobility, and thermodynamic stability) performed at Invitae indicates that this missense variant is expected to disrupt FBN1 protein function with a positive predictive value of 95%. In summary, the available evidence is currently insufficient to determine the role of this variant in disease. Therefore, it has been classified as a Variant of Uncertain Significance.

NM_000138.5(FBN1):c.3971A>G (p.Asn1324Ser)

Gene: FBN1 (fibrillin 1; minus strand). Cytogenetic location: 15q21.1.
Variant type: single nucleotide variant.
Coding change: c.3971A>G on transcript NM_000138.5 (MANE Select); coding-DNA position 3971, A replaced by G.
Protein change: p.Asn1324Ser; replaces asparagine 1324 with serine.
Molecular consequence: missense variant.
Genome position (GRCh38, 1-based): chr15:48,474,644, T>C on the plus strand (A>G on the coding strand, the complement: FBN1 is on the minus strand). VCF-style: chr15-48474644-T-C. GRCh37 (hg19) VCF-style: chr15-48766841-T-C.
Other names: c.3971A>G, p.Asn1324Ser (NM_001406716.1); short protein forms N1324S.
Identifiers: ClinVar variation 3763910 (VCV003763910.3).